The following is an entry in ClinVar:

ClinVar aggregate classification (germline): Uncertain significance (1 of 4 stars; one submission).

Conditions:
Hereditary cancer-predisposing syndrome. Also called: Tumor predisposition; Hereditary Cancer Syndrome; Hereditary neoplastic syndrome; Neoplastic Syndromes, Hereditary. Identifiers: Orphanet 140162, MedGen C0027672, MeSH D009386, MONDO:0015356.

Submission:

Ambry Genetics
Classification: Uncertain significance for Hereditary cancer-predisposing syndrome. Last evaluated: 2026-02-20. Review status: criteria provided, single submitter. Criteria: Ambry Variant Classification Scheme 2023. Collection method: clinical testing. Allele origin: germline.
Comment: The c.1216-28_1216-3del26 intronic variant, results from a deletion of 26 nucleotides at positions 1216-28 to 1216-3 within intron 12 of the RB1 gene. This nucleotide region is relatively well conserved in available vertebrate species. In silico splice site analysis predicts that this alteration will weaken the native splice acceptor site and will result in the creation or strengthening of a novel splice acceptor site. Based on the available evidence, the clinical significance of this variant remains unclear.

NM_000321.3(RB1):c.1216-28_1216-3del

Gene: RB1 (RB transcriptional corepressor 1; plus strand). Cytogenetic location: 13q14.2.
Variant type: Deletion.
Coding change: c.1216-28_1216-3del on transcript NM_000321.3 (MANE Select); 28 bases into the intron before coding-DNA position 1216 through 3 bases into the intron before coding-DNA position 1216, 26 bases deleted (CATTGATTTCTGTTTTTACCTCCTAA).
Molecular consequence: intron variant.
Genome position (GRCh38, 1-based): chr13:48,376,890-48,376,915, CATTGATTTCTGTTTTTACCTCCTAA deleted; deleting any 26 consecutive bases within chr13:48,376,889-48,376,915 gives the same sequence; the c. name uses the placement nearest the transcript's 3' end. VCF-style (leftmost placement, unchanged base first): chr13-48376888-GACATTGATTTCTGTTTTTACCTCCTA-G. GRCh37 (hg19) VCF-style: chr13-48951024-GACATTGATTTCTGTTTTTACCTCCTA-G.
Identifiers: ClinVar variation 1751578 (VCV001751578.3), dbSNP rs2542198622, ClinGen allele CA2580087548.